The following is an entry in ClinVar:

NM_004999.4(MYO6):c.2339T>C (p.Leu780Ser)

Gene: MYO6 (myosin VI; plus strand). Cytogenetic location: 6q14.1.
Variant type: single nucleotide variant.
Coding change: c.2339T>C on transcript NM_004999.4 (MANE Select); coding-DNA position 2339, T replaced by C.
Protein change: p.Leu780Ser; replaces leucine 780 with serine.
Molecular consequence: missense variant. On other transcripts: non-coding transcript variant (1).
Genome position (GRCh38, 1-based): chr6:75,881,741, T>C. VCF-style: chr6-75881741-T-C. GRCh37 (hg19) VCF-style: chr6-76591458-T-C.
Other names: c.2339T>C, p.Leu780Ser (NM_001300899.2, NM_001368136.1, NM_001368137.1 and 2 more transcripts); c.2324T>C, p.Leu775Ser (NM_001368138.1); short protein forms L775S, L780S.
Identifiers: ClinVar variation 3382247 (VCV003382247.2).

ClinVar aggregate classification (germline): Uncertain significance (1 of 4 stars; one submission).

Conditions:
Autosomal recessive nonsyndromic hearing loss 37. Identifiers: Orphanet 90636, MedGen C1843028, MONDO:0011912, OMIM 607821.
Autosomal dominant nonsyndromic hearing loss 22. Also called: Autosomal dominant nonsyndromic deafness 22; DFNA 22. Identifiers: Orphanet 228012, MedGen C2931767, MONDO:0011660, OMIM 606346.

Submission:

Juno Genomics, Hangzhou Juno Genomics, Inc
Classification: Uncertain significance for Autosomal dominant nonsyndromic hearing loss 22; Autosomal recessive nonsyndromic hearing loss 37. Review status: criteria provided, single submitter. Criteria: ACMG Guidelines, 2015. Collection method: clinical testing. Allele origin: germline. Affected: yes.
Comment: Absent from controls (or at extremely low frequency if recessive) in Genome Aggregation Database, Exome Sequencing Project, 1000 Genomes Project, or Exome Aggregation Consortium.;Multiple lines of computational evidence support a deleterious effect on the gene or gene product (conservation, evolutionary, splicing impact, etc).